The following is an entry in ClinVar:

ClinVar aggregate classification (germline): not provided (0 of 4 stars; one submission).

Conditions:
Familial long QT syndrome (RWS). Also called: Congenital long QT syndrome; Romano-Ward syndrome; VENTRICULAR FIBRILLATION WITH PROLONGED QT INTERVAL. Identifiers: Orphanet 768, MedGen C1141890, MONDO:0019171.

Submission:

Cardiovascular Biomedical Research Unit, Royal Brompton & Harefield NHS Foundation Trust
No classification provided. Condition: Familial long QT syndrome. Review status: no classification provided. Collection method: literature only. Allele origin: germline.
Comment: This variant has been reported as associated with Long QT syndrome in the following publications (PMID:12402336;PMID:19841300;PMID:22373669). This is a literature report, and does not necessarily reflect the clinical interpretation of the Imperial College / Royal Brompton Cardiovascular Genetics laboratory.

Literature cited by the submitters: PubMed 12402336; PubMed 19841300; PubMed 22373669; PubMed 22581653.

NM_000238.4(KCNH2):c.296A>C (p.Tyr99Ser)

Gene: KCNH2 (potassium voltage-gated channel subfamily H member 2; minus strand). Cytogenetic location: 7q36.1.
Variant type: single nucleotide variant.
Coding change: c.296A>C on transcript NM_000238.4 (MANE Select); coding-DNA position 296, A replaced by C.
Protein change: p.Tyr99Ser; replaces tyrosine 99 with serine.
Molecular consequence: missense variant.
Genome position (GRCh38, 1-based): chr7:150,974,722, T>G on the plus strand (A>C on the coding strand, the complement: KCNH2 is on the minus strand). VCF-style: chr7-150974722-T-G. GRCh37 (hg19) VCF-style: chr7-150671810-T-G.
Other names: c.296A>C (LRG_288t1); c.119A>C, p.Tyr40Ser (NM_001406755.1); c.296A>C, p.Tyr99Ser (NM_172056.3); short protein forms Y99S, Y40S.
Identifiers: ClinVar variation 67457 (VCV000067457.3), dbSNP rs199472854, ClinGen allele CA007709.